The following is an entry in ClinVar:

ClinVar aggregate classification (germline): Pathogenic. Review status: criteria provided, multiple submitters, no conflicts (2 of 4 stars). 12 submissions from 12 submitters: Pathogenic (9). 3 of the submissions do not count toward it. Last evaluated 2025-09-11.

Conditions:
Epidermolytic hyperkeratosis 2A, autosomal dominant (EHK2A). Identifiers: MedGen C5882671, MONDO:0700248, OMIM 620150.
Autosomal dominant epidermolytic ichthyosis. Identifiers: Orphanet 312, MedGen CN377632, MONDO:0020702.
KRT10-related disorder. Also called: KRT10-related condition.
Epidermolytic acanthoma. Identifiers: MedGen C1333414, MONDO:0002962.
Epidermolytic nevus. Identifiers: Orphanet 497737, MedGen C1302848, MONDO:0044656.
Annular epidermolytic ichthyosis. Identifiers: Orphanet 281139, MedGen C1843463, MONDO:0011870.
Epidermolytic ichthyosis. Also called: Bullous ichthyosiform erythroderma; Epidermolytic Hyperkeratosis; Congenital bullous ichthyosiform erythroderma; KRT10-Related Epidermolytic Hyperkeratosis. Identifiers: Orphanet 312, MedGen C0079153, MONDO:0007239, HP:0007475.
Congenital reticular ichthyosiform erythroderma (IWC). Also called: ICHTHYOSIS WITH CONFETTI. Identifiers: Orphanet 281190, MedGen C3665704, MONDO:0012208, OMIM 609165.

Submissions (12):

Labcorp Genetics (formerly Invitae), Labcorp
Classification: Pathogenic. Last evaluated: 2025-09-11. Review status: criteria provided, single submitter. Criteria: Invitae Variant Classification Sherloc (09022015). Collection method: clinical testing. Allele origin: germline.
Comment: This sequence change replaces arginine, which is basic and polar, with cysteine, which is neutral and slightly polar, at codon 156 of the KRT10 protein (p.Arg156Cys). This variant is not present in population databases (gnomAD no frequency). This missense change has been observed in individual(s) with autosomal dominant KRT10 related conditions (PMID: 21271994, 22930352, 28532675). In at least one individual the variant was observed to be de novo. ClinVar contains an entry for this variant (Variation ID: 14576). Invitae Evidence Modeling of protein sequence and biophysical properties (such as structural, functional, and spatial information, amino acid conservation, physicochemical variation, residue mobility, and thermodynamic stability) indicates that this missense variant is expected to disrupt KRT10 protein function with a positive predictive value of 80%. Experimental studies have shown that this missense change affects KRT10 function (PMID: 7512983, 26176760). This variant disrupts the p.Arg156 amino acid residue in KRT10. Other variant(s) that disrupt this residue have been determined to be pathogenic (PMID: 1381287, 21271994). This suggests that this residue is clinically significant, and that variants that disrupt this residue are likely to be disease-causing. For these reasons, this variant has been classified as Pathogenic.

PreventionGenetics, part of Exact Sciences
Classification: Pathogenic for KRT10-related condition. Last evaluated: 2025-07-10. Review status: criteria provided, single submitter. Criteria: ACMG Guidelines, 2015. Collection method: clinical testing. Allele origin: germline.
Comment: The KRT10 c.466C>T variant is predicted to result in the amino acid substitution p.Arg156Cys. This variant has been frequently reported in individuals with epidermolytic hyperkeratosis (see, for example, Syder et al. 1994. PubMed ID: 7512983; Saeki et al. 2002. PubMed ID: 11990254; Haruna et al. 2007. PubMed ID: 17683385; Bygum et al. 2013. PubMed ID: 22930352; Severino-Freire et al. 2017. PubMed ID: 27722766; Kono et al. 2017. PubMed ID: 28532675; Cheng et al. 2020. PubMed ID: 31953843). This variant has not been reported in a large population database (gnomAD), indicating this variant is rare. This variant is interpreted as pathogenic.

Institute of Medical Genetics and Applied Genomics, University Hospital Tübingen
Classification: Pathogenic for Autosomal dominant epidermolytic ichthyosis. Last evaluated: 2024-12-04. Review status: criteria provided, single submitter. Criteria: ACMG Guidelines, 2015. Collection method: clinical testing. Allele origin: somatic. Affected: yes.

Blueprint Genetics
Classification: Pathogenic for KRT10-related disorders. Last evaluated: 2024-09-17. Review status: criteria provided, single submitter. Criteria: ACMG Guidelines, 2015. Collection method: clinical testing. Allele origin: germline. Affected: yes. Observed: 1 variant allele.

3billion
Classification: Pathogenic for Epidermolytic hyperkeratosis 2A, autosomal dominant. Last evaluated: 2024-08-29. Review status: criteria provided, single submitter. Criteria: ACMG Guidelines, 2015. Collection method: clinical testing. Allele origin: germline. Affected: yes.
Comment: The variant is not observed in the gnomAD v4.0.0 dataset. Predicted Consequence/Location: The variant is located in a mutational hot spot and/or well-established functional domain in which established pathogenic variants have been reported. In silico tool predictions suggest damaging effect of the variant on gene or gene product [REVEL: 0.94 (>=0.6, sensitivity 0.68 and specificity 0.92); 3Cnet: 0.99 (>=0.6, sensitivity 0.72 and precision 0.9)]. The same nucleotide change resulting in the same amino acid change has been previously reported as pathogenic/likely pathogenic with strong evidence (ClinVar ID: VCV000014576 /PMID: 7509230 /3billion dataset). Different missense changes at the same codon (p.Arg156Gly, p.Arg156His, p.Arg156Leu, p.Arg156Pro, p.Arg156Ser) have been reported as pathogenic/likely pathogenic with strong evidence (ClinVar ID: VCV000014573, VCV000066174, VCV000066176 /PMID: 11558869, 1381287, 7507152, 7509230 /3billion dataset). Therefore, this variant is classified as Pathogenic according to the recommendation of ACMG/AMP guideline.

Clinical Genomics Laboratory, Washington University in St. Louis
Classification: Pathogenic for Epidermolytic nevus. Last evaluated: 2023-10-10. Review status: criteria provided, single submitter. Criteria: ACMG Guidelines, 2015. Collection method: clinical testing. Allele origin: somatic. Affected: yes.
Comment: The KRT10 c.466C>T (Arg156Cys) variant was identified at an allelic fraction consistent with somatic origin. This variant has been reported in multiple individuals affected by ichthyosis (Paller AS et al., PMID: 7526210; Cheraghlou S et al., PMID: 32045015; Bygum A et al., PMID: 22930352; Kono M et al., PMID: 28532675; Syder AJ et al., PMID: 7512983; Mirza H et al., PMID: 26176760; Haruna K et al., PMID: 17683385; Rothnagel JA et al., PMID: 7509230; Diociaiuti A et al., PMID: 33081034). This variant has been reported in the ClinVar database as a pathogenic germline variant by multiple submitters and a likely pathogenic somatic variant by one submitter (ClinVar ID: 14576) and, in one case, in the cancer database COSMIC (ID: COSV99509833). This variant is absent from the general population, indicating that it is not a common variant (gnomAD v.3.1.2). The KRT10 c.466C>T (Arg156Cys) variant resides within an intermediate filament rod domain, amino acids 145-454, of KRT10 that is defined as a critical functional domain (Porter RM et al., PMID: 12711220; Rothnagel JA et al., PMID: 1380725). Functional studies show that this variant results in filament assembly disruption, leading to cell fragility (Syder AJ et al., PMID: 7512983; Mirza H et al., PMID: 26176760). Computational predictors indicate that the variant is damaging, evidence that correlates with impact to KRT10 function. Based on an internally developed protocol informed by the ACMG/AMP guidelines (Richards S et al., PMID: 25741868) and gene-specific practices from the ClinGen Criteria Specification Registry, the KRT10 c.466C>T (Arg156Cys) variant is classified as pathogenic.

GeneDx
Classification: Pathogenic. Last evaluated: 2021-12-30. Review status: criteria provided, single submitter. Criteria: GeneDx Variant Classification Process June 2021. Collection method: clinical testing. Allele origin: germline. Affected: yes.
Comment: Located within the 1A domain helix initiation motif that is intolerant to change; variants affecting the residues at the ends of the central rod domains of the keratin proteins (helix initiation and termination motifs) interfere with proper keratin intermediate filament assembly and function, resulting in skin fragility and/or hyperkeratosis (Chamcheu et al., 2011); Not observed at significant frequency in large population cohorts (Lek et al., 2016); In silico analysis supports that this missense variant has a deleterious effect on protein structure/function; This variant is associated with the following publications: (PMID: 11990254, 17683385, 7509230, 7512983, 7526210, 28532675, 27722766, 22930352, 27535533, 31953843, 18033728, 24077912, 33081034)

Revvity Omics, Revvity
Classification: Pathogenic. Last evaluated: 2020-11-26. Review status: criteria provided, single submitter. Criteria: ACMG Guidelines, 2015. Collection method: clinical testing. Allele origin: germline.

Fulgent Genetics
Classification: Pathogenic for Epidermolytic hyperkeratosis 1; Ichthyosis, annular epidermolytic 1; Congenital reticular ichthyosiform erythroderma. Last evaluated: 2018-10-31. Review status: criteria provided, single submitter. Criteria: ACMG Guidelines, 2015. Collection method: clinical testing. Allele origin: unknown.

Yale Center for Mendelian Genomics, Yale University
Classification: Likely pathogenic for Epidermolytic acanthoma. Last evaluated: 2020-02-19. Review status: no assertion criteria provided. Collection method: literature only. Allele origin: somatic. Affected: yes. Observed: 4 heterozygotes. Study: Yale Center for Mendelian Genomics. Not counted in ClinVar's aggregate classification.

OMIM
Classification: Pathogenic for EPIDERMOLYTIC HYPERKERATOSIS 2A, AUTOSOMAL DOMINANT. Last evaluated: 1994-02-01. Review status: no assertion criteria provided. Collection method: literature only. Allele origin: germline. Not counted in ClinVar's aggregate classification.

Epithelial Biology;  Institute of Medical Biology, Singapore
No classification provided. Review status: no classification provided. Collection method: not provided. Allele origin: not provided. Not counted in ClinVar's aggregate classification.

Literature cited by the submitters: PubMed 21271994 (cited by Labcorp Genetics (formerly Invitae), Labcorp); PubMed 22930352 (cited by Labcorp Genetics (formerly Invitae), Labcorp); PubMed 28532675 (cited by Labcorp Genetics (formerly Invitae), Labcorp); PubMed 7512983 (cited by Labcorp Genetics (formerly Invitae), Labcorp); PubMed 26176760 (cited by Labcorp Genetics (formerly Invitae), Labcorp); PubMed 1381287 (cited by Labcorp Genetics (formerly Invitae), Labcorp); PubMed 11558869 (cited by 3billion); PubMed 7509230 (cited by 3billion and OMIM); PubMed 32045015 (cited by Yale Center for Mendelian Genomics, Yale University); PubMed 7508181 (cited by OMIM).

NM_000421.5(KRT10):c.466C>T (p.Arg156Cys)

Genes: KRT10 (keratin 10; minus strand), KRT10-AS1 (KRT10 antisense RNA 1; plus strand). Cytogenetic location: 17q21.2.
Variant type: single nucleotide variant.
Coding change: c.466C>T on transcript NM_000421.5 (MANE Select); coding-DNA position 466, C replaced by T.
Protein change: p.Arg156Cys; replaces arginine 156 with cysteine.
Molecular consequence: missense variant.
Genome position (GRCh38, 1-based): chr17:40,822,120, G>A on the plus strand (C>T on the coding strand, the complement: KRT10 is on the minus strand). VCF-style: chr17-40822120-G-A. GRCh37 (hg19) VCF-style: chr17-38978372-G-A.
Other names: R10C; c.466C>T, p.Arg156Cys (NM_001379366.1); short protein forms R156C.
Identifiers: ClinVar variation 14576 (VCV000014576.27), dbSNP rs58852768, ClinGen allele CA124138.